The following is an entry in ClinVar:

ClinVar aggregate classification (germline): Uncertain significance (1 of 4 stars; one submission).

Conditions:
Hereditary cancer-predisposing syndrome. Also called: Neoplastic Syndromes, Hereditary; Hereditary Cancer Syndrome; Hereditary neoplastic syndrome; Tumor predisposition. Identifiers: Orphanet 140162, MedGen C0027672, MeSH D009386, MONDO:0015356.

Submission:

Ambry Genetics
Classification: Uncertain significance for Hereditary cancer-predisposing syndrome. Last evaluated: 2023-04-18. Review status: criteria provided, single submitter. Criteria: Ambry Variant Classification Scheme 2023. Collection method: clinical testing. Allele origin: germline.
Comment: The p.I1741F variant (also known as c.5221A>T), located in coding exon 40 of the TSC2 gene, results from an A to T substitution at nucleotide position 5221. The isoleucine at codon 1741 is replaced by phenylalanine, an amino acid with highly similar properties. This amino acid position is conserved. In addition, this alteration is predicted to be deleterious by in silico analysis. Since supporting evidence is limited at this time, the clinical significance of this alteration remains unclear.

NM_000548.5(TSC2):c.5221A>T (p.Ile1741Phe)

Gene: TSC2 (TSC complex subunit 2; plus strand). Cytogenetic location: 16p13.3.
Variant type: single nucleotide variant.
Coding change: c.5221A>T on transcript NM_000548.5 (MANE Select); coding-DNA position 5221, A replaced by T.
Protein change: p.Ile1741Phe; replaces isoleucine 1741 with phenylalanine.
Molecular consequence: missense variant. On other transcripts: non-coding transcript variant (5).
Genome position (GRCh38, 1-based): chr16:2,088,287, A>T. VCF-style: chr16-2088287-A-T. GRCh37 (hg19) VCF-style: chr16-2138288-A-T.
Other names: c.5020A>T, p.Ile1674Phe (NM_001077183.3); c.5152A>T, p.Ile1718Phe (NM_001114382.3); c.4912A>T, p.Ile1638Phe (NM_001318827.2); c.4876A>T, p.Ile1626Phe (NM_001318829.2); c.4489A>T, p.Ile1497Phe (NM_001318831.2); c.5053A>T, p.Ile1685Phe (NM_001318832.2); c.5023A>T, p.Ile1675Phe (NM_001363528.2); c.5089A>T, p.Ile1697Phe (NM_001370404.1); and 27 more; short protein forms I1226F, I1475F, I1518F, I1541F, I1626F, I1655F, I1669F, I1670F.
Identifiers: ClinVar variation 2564708 (VCV002564708.2), dbSNP rs140526185, ClinGen allele CA394314488.
Genomic context (GRCh38, chr16:2,088,287, plus strand): 5'-ATGGCCTCACAGGTGCATCATAGCCGCTCCAACCCCACCGATATCTACCCCTCCAAGTGG[A>T]TTGCCCGGCTCCGCCACATCAAGCGGCTCCGCCAGCGGGTAGGGAATATGGGGCTCCCTC-3'
Protein context (NP_000539.2, residues 1731-1751): NPTDIYPSKW[Ile1741Phe]ARLRHIKRLR